The following is an entry in ClinVar:

ClinVar aggregate classification (germline): Uncertain significance. Review status: criteria provided, multiple submitters, no conflicts (2 of 4 stars). 3 submissions from 3 submitters: Uncertain significance (3). Last evaluated 2025-09-23.

Conditions:
Inborn genetic diseases. Identifiers: MedGen C0950123, MeSH D030342.
Aldosterone-producing adenoma with seizures and neurological abnormalities. Also called: Primary aldosteronism, seizures, and neurologic abnormalities. Identifiers: Orphanet 369929, MedGen C3809609, MONDO:0014200, OMIM 615474.
Sinoatrial node dysfunction and deafness (SANDD). Identifiers: Orphanet 324321, MedGen C3554018, MONDO:0013960, OMIM 614896.

Allele frequency attached by ClinVar (database versions not stated): ExAC 0.00001; gnomAD 0.00002; gnomAD exomes 0.00002 and 0.00004; TOPMed 0.00004.
gnomAD v4.1: 60 of 1,613,972 alleles (0.0037%); highest among the groups gnomAD compares: Non-Finnish European, 0.0049%; no homozygotes.

Submissions (3):

Labcorp Genetics (formerly Invitae), Labcorp
Classification: Uncertain significance. Last evaluated: 2025-09-23. Review status: criteria provided, single submitter. Criteria: Invitae Variant Classification Sherloc (09022015). Collection method: clinical testing. Allele origin: germline.
Comment: This sequence change replaces lysine, which is basic and polar, with glutamic acid, which is acidic and polar, at codon 580 of the CACNA1D protein (p.Lys580Glu). This variant is present in population databases (rs758865477, gnomAD 0.003%). This variant has not been reported in the literature in individuals affected with CACNA1D-related conditions. ClinVar contains an entry for this variant (Variation ID: 1391972). Invitae Evidence Modeling of protein sequence and biophysical properties (such as structural, functional, and spatial information, amino acid conservation, physicochemical variation, residue mobility, and thermodynamic stability) indicates that this missense variant is not expected to disrupt CACNA1D protein function with a negative predictive value of 80%. In summary, the available evidence is currently insufficient to determine the role of this variant in disease. Therefore, it has been classified as a Variant of Uncertain Significance.

Ambry Genetics
Classification: Uncertain significance for Inborn genetic diseases. Last evaluated: 2024-05-03. Review status: criteria provided, single submitter. Criteria: Ambry Variant Classification Scheme 2023. Collection method: clinical testing. Allele origin: germline.

Fulgent Genetics
Classification: Uncertain significance for Sinoatrial node dysfunction and deafness; Aldosterone-producing adenoma with seizures and neurological abnormalities. Last evaluated: 2021-07-16. Review status: criteria provided, single submitter. Criteria: ACMG Guidelines, 2015. Collection method: clinical testing. Allele origin: unknown.

NM_001128840.3(CACNA1D):c.1678A>G (p.Lys560Glu)

Gene: CACNA1D (calcium voltage-gated channel subunit alpha1 D; plus strand). Cytogenetic location: 3p21.1.
Variant type: single nucleotide variant.
Coding change: c.1678A>G on transcript NM_001128840.3 (MANE Select); coding-DNA position 1678, A replaced by G.
Protein change: p.Lys560Glu; replaces lysine 560 with glutamic acid.
Molecular consequence: missense variant.
Genome position (GRCh38, 1-based): chr3:53,723,445, A>G. VCF-style: chr3-53723445-A-G. GRCh37 (hg19) VCF-style: chr3-53757472-A-G.
Other names: c.1738A>G, p.Lys580Glu (NM_000720.4); c.1678A>G, p.Lys560Glu (NM_001128839.3); c.1738A>G (NM_000720.2); short protein forms K580E, K560E.
Identifiers: ClinVar variation 1391972 (VCV001391972.8), dbSNP rs758865477, ClinGen allele CA2454058.